The following is an entry in ClinVar:

ClinVar aggregate classification (germline): Uncertain significance (1 of 4 stars; one submission).

Conditions:
Costello syndrome (CSTLO). Also called: FACIOCUTANEOSKELETAL SYNDROME; HRAS-Related Costello Syndrome; FCS SYNDROME. Identifiers: Orphanet 3071, MedGen C0587248, MONDO:0009026, OMIM 218040.

Submission:

Labcorp Genetics (formerly Invitae), Labcorp
Classification: Uncertain significance for Costello syndrome. Last evaluated: 2022-08-01. Review status: criteria provided, single submitter. Criteria: Invitae Variant Classification Sherloc (09022015). Collection method: clinical testing. Allele origin: germline.
Comment: This variant has not been reported in the literature in individuals affected with HRAS-related conditions. This variant is not present in population databases (gnomAD no frequency). This sequence change replaces glycine, which is neutral and non-polar, with aspartic acid, which is acidic and polar, at codon 180 of the HRAS protein (p.Gly180Asp). ClinVar contains an entry for this variant (Variation ID: 948441). In summary, the available evidence is currently insufficient to determine the role of this variant in disease. Therefore, it has been classified as a Variant of Uncertain Significance. Advanced modeling of protein sequence and biophysical properties (such as structural, functional, and spatial information, amino acid conservation, physicochemical variation, residue mobility, and thermodynamic stability) performed at Invitae indicates that this missense variant is not expected to disrupt HRAS protein function.

NM_005343.4(HRAS):c.539G>A (p.Gly180Asp)

Genes: LRRC56 (leucine rich repeat containing 56; plus strand), HRAS (HRas proto-oncogene, GTPase; minus strand). Cytogenetic location: 11p15.5.
Variant type: single nucleotide variant.
Coding change: c.539G>A on transcript NM_005343.4 (MANE Select); coding-DNA position 539, G replaced by A.
Protein change: p.Gly180Asp; replaces glycine 180 with aspartic acid.
Molecular consequence: missense variant. On other transcripts: 3 prime UTR variant (1).
Genome position (GRCh38, 1-based): chr11:532,667, C>T on the plus strand (G>A on the coding strand, the complement: HRAS is on the minus strand). VCF-style: chr11-532667-C-T. GRCh37 (hg19) VCF-style: chr11-532667-C-T.
Other names: c.539G>A, p.Gly180Asp (NM_001130442.3); c.302G>A, p.Gly101Asp (NM_001318054.2); c.*108G>A (NM_176795.5); short protein forms G101D, G180D.
Identifiers: ClinVar variation 948441 (VCV000948441.10), dbSNP rs1851175904, ClinGen allele CA378920975.
Genomic context (GRCh38, chr11:532,667, plus strand): 5'-GGCCGCCCTGGGAGTCCCCCTCACCTGCGTCAGGAGAGCACACACTTGCAGCTCATGCAG[C>T]CGGGGCCACTCTCATCAGGAGGGTTCAGCTTCCGCAGCTTGTGCTGCCGGATCTCACGCA-3'
Protein context (NP_005334.1, residues 170-189): KLNPPDESGP[Gly180Asp]CMSCKCVLS